The following is an entry in ClinVar:

ClinVar aggregate classification (germline): Pathogenic. Review status: reviewed by expert panel (3 of 4 stars). 5 submissions from 5 submitters: Pathogenic (1). 4 of the submissions do not count toward it. Last evaluated 2023-11-14.

Conditions:
Combined immunodeficiency with skin granulomas. Identifiers: Orphanet 157949, MedGen C2673536, MONDO:0009306, OMIM 233650.
Recombinase activating gene 2 deficiency. Also called: RAG2 deficiency. Identifiers: MedGen CN257931, MONDO:0000573.
Severe combined immunodeficiency, autosomal recessive, T cell-negative, B cell-negative, NK cell-positive. Also called: Severe combined immunodeficiency due to complete RAG1/2 deficiency; SCID, T CELL-NEGATIVE, B CELL-NEGATIVE, NK CELL-POSITIVE; SCID, AR, T-cell negative, B-cell negative, NK cell-positive. Identifiers: Orphanet 331206, MedGen C1832322, MONDO:0011086, OMIM 601457.
Histiocytic medullary reticulosis. Also called: SEVERE COMBINED IMMUNODEFICIENCY WITH HYPEREOSINOPHILIA; Omenn syndrome. Identifiers: Orphanet 39041, MedGen C2700553, MONDO:0011338, OMIM 603554.

Allele frequency attached by ClinVar (database versions not stated): gnomAD exomes below 0.00001; TOPMed below 0.00001.

Submissions (5):

ClinGen Severe Combined Immunodeficiency Variant Curation Expert Panel, ClinGen
Classification: Pathogenic for Recombinase activating gene 2 deficiency. Last evaluated: 2023-11-14. Review status: reviewed by expert panel. Criteria: ClinGen SCID ACMG Specifications RAG2 V1.0.0. Collection method: curation. Allele origin: germline. Inheritance: Autosomal recessive inheritance.
Comment: The NM_000536.4:c.130G>T variant in RAG2 is a nonsense variant predicted to result in a truncated protein (p.Gly44*). Although this variant is expected to escape nonsense mediated decay (NMD), it would be expected to disrupt approximately 91% of the total RAG2 protein (would remove 484 / 528 amino acids). In addition, it would remove the entire PHD domain (amino acids 414-487), which is defined by the SCID VCEP as a region critical to RAG2 protein function (PMID: 15964836). Therefore PVS1 is met. This variant has an allele frequency of 0.000008792 in the European (non-Finnish) population in gnomAD, which is below the threshold for max filtering allele frequency for PM2_Supporting set by the ClinGen SCID VCEP for RAG2 (<0.0000588). This variant has not been reported in individuals with SCID in a peer-reviewed publication; however, it has been reported in an infant with typical SCID in a pre-print research article by Alizadeh et al (DOI: DOI 10.21203/rs.3.rs-1728908/v1). The variant was homozygous in the affected infant and heterozygous in the parents (0.5p, PM3_supporting). In addition, a different frameshift variant (NM_000536.4:c.829dup p.Tyr277Leufs*4) that occurs downstream of this variant has been classified as LP by the ClinGen SCID VCEP. In summary, this variant meets the criteria to be classified as Pathogenic for autosomal recessive SCID based on the ACMG criteria applied: PVS1, PM2_Supporting, PP4, and PM3_Supporting as specified by the ClinGen SCID VCEP (VCEP specifications version 1).

Natera, Inc.
Classification: Likely pathogenic for Omenn syndrome. Last evaluated: 2025-05-14. Review status: criteria provided, single submitter. Criteria: Natera Variant Classification Schema (03/2026). Collection method: clinical testing. Allele origin: germline. Not counted in ClinVar's aggregate classification.
Comment: The c.130G>T variant in RAG2 is a nonsense variant predicted to introduce a stop codon at amino acid 44. This variant is expected to result in nonsense mediated decay, truncation, or a dysfunctional protein product. This variant is rare in the general population with a frequency below the threshold expected for the associated phenotype(s). Given the available evidence, this variant is classified as Likely Pathogenic.

Labcorp Genetics (formerly Invitae), Labcorp
Classification: Pathogenic for Combined immunodeficiency with skin granulomas; Severe combined immunodeficiency, autosomal recessive, T cell-negative, B cell-negative, NK cell-positive. Last evaluated: 2024-05-14. Review status: criteria provided, single submitter. Criteria: Invitae Variant Classification Sherloc (09022015). Collection method: clinical testing. Allele origin: germline. Not counted in ClinVar's aggregate classification.
Comment: This sequence change creates a premature translational stop signal (p.Gly44*) in the RAG2 gene. While this is not anticipated to result in nonsense mediated decay, it is expected to disrupt the last 484 amino acid(s) of the RAG2 protein. This variant is present in population databases (no rsID available, gnomAD 0.0009%). This variant has not been reported in the literature in individuals affected with RAG2-related conditions. ClinVar contains an entry for this variant (Variation ID: 1412375). Algorithms developed to predict the effect of sequence changes on RNA splicing suggest that this variant may disrupt the consensus splice site. This variant disrupts a region of the RAG2 protein in which other variant(s) (p.Arg148*) have been determined to be pathogenic (PMID: 11133745, 28600779, 30307608). This suggests that this is a clinically significant region of the protein, and that variants that disrupt it are likely to be disease-causing. For these reasons, this variant has been classified as Pathogenic.

GeneDx
Classification: Likely pathogenic. Last evaluated: 2024-02-02. Review status: criteria provided, single submitter. Criteria: GeneDx Variant Classification Process June 2021. Collection method: clinical testing. Allele origin: germline. Affected: yes. Not counted in ClinVar's aggregate classification.
Comment: Nonsense variant predicted to result in protein truncation, as the last 484 amino acids are lost, and other loss-of-function variants have been reported downstream in HGMD; Not observed at significant frequency in large population cohorts (gnomAD); This variant is associated with the following publications: (PMID: 37516813)

Baylor Genetics
Classification: Likely pathogenic for Combined immunodeficiency with skin granulomas. Last evaluated: 2021-12-20. Review status: criteria provided, single submitter. Criteria: ACMG Guidelines, 2015. Collection method: clinical testing. Allele origin: unknown. Not counted in ClinVar's aggregate classification.

Literature cited by the submitters: PubMed 11133745 (cited by Labcorp Genetics (formerly Invitae), Labcorp); PubMed 28600779 (cited by Labcorp Genetics (formerly Invitae), Labcorp); PubMed 30307608 (cited by Labcorp Genetics (formerly Invitae), Labcorp).

NM_000536.4(RAG2):c.130G>T (p.Gly44Ter)

Gene: RAG2 (recombination activating 2; minus strand). Cytogenetic location: 11p12.
Variant type: single nucleotide variant.
Coding change: c.130G>T on transcript NM_000536.4 (MANE Select); coding-DNA position 130, G replaced by T.
Protein change: p.Gly44Ter; replaces glycine 44 with a stop codon.
Molecular consequence: nonsense.
Genome position (GRCh38, 1-based): chr11:36,594,039, C>A on the plus strand (G>T on the coding strand, the complement: RAG2 is on the minus strand). VCF-style: chr11-36594039-C-A. GRCh37 (hg19) VCF-style: chr11-36615589-C-A.
Other names: NM_000536.4(RAG2):c.130G>T; p.Gly44Ter; c.130G>T (NM_000536.3); c.130G>T, p.Gly44Ter (NM_001243785.2, NM_001243786.2); short protein forms G44*.
Identifiers: ClinVar variation 1412375 (VCV001412375.9), dbSNP rs1440633758, ClinGen allele CA380144505.
Genomic context (GRCh38, chr11:36,594,039, plus strand): 5'-TAGAGAAAATTGTAGGCTTCAGTTTGACATGGTTATGCTTTACATCCAGATGGAAAACTC[C>A]AGTGGGGCAGGATCTTTTGGGCCAGCCTTTTTGTCCAAAGAAGAAAACTTGTCCATCAAA-3'